The following is an entry in ClinVar:

NM_012463.4(ATP6V0A2):c.117+1del

Genes: ATP6V0A2 (ATPase H+ transporting V0 subunit a2; plus strand), LOC130009117 (ATAC-STARR-seq lymphoblastoid silent region 5049; plus strand). Cytogenetic location: 12q24.31.
Variant type: Deletion.
Coding change: c.117+1del on transcript NM_012463.4 (MANE Select); the canonical splice donor site of the intron after coding-DNA position 117, one base deleted (G; older notation c.117+1delG).
Molecular consequence: splice donor variant.
Genome position (GRCh38, 1-based): chr12:123,712,683, G deleted. VCF-style (leftmost placement, unchanged base first): chr12-123712682-CG-C. GRCh37 (hg19) VCF-style: chr12-124197229-CG-C.
Identifiers: ClinVar variation 2735988 (VCV002735988.4), dbSNP rs1039808574, ClinGen allele CA245175474.

ClinVar aggregate classification (germline): Likely pathogenic. Review status: criteria provided, multiple submitters, no conflicts (2 of 4 stars). 2 submissions from 2 submitters: Likely pathogenic (2). Last evaluated 2024-02-29.

Conditions:
Cutis laxa with osteodystrophy (ARCL2A). Also called: Debré-Type Cutis Laxa; CUTIS LAXA WITH CONGENITAL DISORDER OF GLYCOSYLATION; CUTIS LAXA, AUTOSOMAL RECESSIVE, TYPE IIA; CUTIS LAXA WITH BONE DYSTROPHY; CUTIS LAXA WITH GROWTH AND DEVELOPMENTAL DELAY; CUTIS LAXA WITH JOINT LAXITY AND RETARDED DEVELOPMENT. Identifiers: Orphanet 357058, MedGen C0268355, MONDO:0018163, OMIM 219200. Disease mechanism: loss of function.
Wrinkly skin syndrome (WSS). Also called: Type of Gerodermia osteodysplastica. Identifiers: Orphanet 2834, MedGen C0406587, MONDO:0010208, OMIM 278250.
ALG9 congenital disorder of glycosylation (CDG1L). Also called: CDG Il; ALG9-CDG; CONGENITAL DISORDER OF GLYCOSYLATION, TYPE Il. Identifiers: Orphanet 79328, MedGen C2931006, MONDO:0012117, OMIM 608776.

Allele frequency attached by ClinVar (database versions not stated): TOPMed below 0.00001.

Submissions (2):

Fulgent Genetics
Classification: Likely pathogenic for Cutis laxa with osteodystrophy; Wrinkly skin syndrome. Last evaluated: 2024-02-29. Review status: criteria provided, single submitter. Criteria: ACMG Guidelines, 2015. Collection method: clinical testing. Allele origin: germline.

Labcorp Genetics (formerly Invitae), Labcorp
Classification: Likely pathogenic for ALG9 congenital disorder of glycosylation. Last evaluated: 2023-02-14. Review status: criteria provided, single submitter. Criteria: Invitae Variant Classification Sherloc (09022015). Collection method: clinical testing. Allele origin: germline.
Comment: This sequence change affects a splice site in intron 1 of the ATP6V0A2 gene. It is expected to disrupt RNA splicing. Variants that disrupt the donor or acceptor splice site typically lead to a loss of protein function (PMID: 16199547), and loss-of-function variants in ATP6V0A2 are known to be pathogenic (PMID: 18157129, 19321599). This variant is not present in population databases (gnomAD no frequency). Disruption of this splice site has been observed in individual(s) with cutis laxa (PMID: 22773132). Algorithms developed to predict the effect of sequence changes on RNA splicing suggest that this variant may disrupt the consensus splice site. In summary, the currently available evidence indicates that the variant is pathogenic, but additional data are needed to prove that conclusively. Therefore, this variant has been classified as Likely Pathogenic.

Literature cited by the submitters: PubMed 16199547 (cited by Labcorp Genetics (formerly Invitae), Labcorp); PubMed 18157129 (cited by Labcorp Genetics (formerly Invitae), Labcorp); PubMed 19321599 (cited by Labcorp Genetics (formerly Invitae), Labcorp); PubMed 22773132 (cited by Labcorp Genetics (formerly Invitae), Labcorp).